The following is an entry in ClinVar:

ClinVar aggregate classification (germline): Benign/Likely benign. Review status: criteria provided, multiple submitters, no conflicts (2 of 4 stars). 3 submissions from 3 submitters: Benign (1); Likely benign (2). Last evaluated 2025-02-14.

Conditions:
Breast-ovarian cancer, familial, susceptibility to, 3. Also called: RAD51C-Related Breast/Ovarian Cancer. Identifiers: Orphanet 145, MedGen C3150659, MONDO:0013253, OMIM 613399.
Fanconi anemia complementation group O. Also called: RAD51C-Related Fanconi Anemia. Identifiers: Orphanet 84, MedGen C3150653, MONDO:0013248, OMIM 613390.
Hereditary cancer-predisposing syndrome. Also called: Neoplastic Syndromes, Hereditary; Hereditary Cancer Syndrome; Hereditary neoplastic syndrome; Tumor predisposition. Identifiers: Orphanet 140162, MedGen C0027672, MeSH D009386, MONDO:0015356.

Submissions (3):

Myriad Genetics, Inc.
Classification: Benign for Breast-ovarian cancer, familial, susceptibility to, 3. Last evaluated: 2025-02-14. Review status: criteria provided, single submitter. Criteria: Myriad Autosomal Dominant, Autosomal Recessive and X-Linked Classification Criteria (2023). Collection method: clinical testing. Allele origin: unknown.
Comment: This variant is considered benign. This variant is a silent/synonymous amino acid change and it is not expected to impact splicing.

Labcorp Genetics (formerly Invitae), Labcorp
Classification: Likely benign for Fanconi anemia complementation group O. Last evaluated: 2023-09-29. Review status: criteria provided, single submitter. Criteria: Invitae Variant Classification Sherloc (09022015). Collection method: clinical testing. Allele origin: germline.

Ambry Genetics
Classification: Likely benign for Hereditary cancer-predisposing syndrome. Last evaluated: 2022-05-26. Review status: criteria provided, single submitter. Criteria: Ambry Variant Classification Scheme 2023. Collection method: clinical testing. Allele origin: germline.

NM_058216.3(RAD51C):c.189T>A (p.Ile63=)

Gene: RAD51C (RAD51 paralog C; plus strand). Cytogenetic location: 17q22.
Variant type: single nucleotide variant.
Coding change: c.189T>A on transcript NM_058216.3 (MANE Select); coding-DNA position 189, T replaced by A.
Protein change: p.Ile63=; no amino-acid change (isoleucine 63 retained).
Molecular consequence: synonymous variant. On other transcripts: non-coding transcript variant (2).
Genome position (GRCh38, 1-based): chr17:58,694,974, T>A. VCF-style: chr17-58694974-T-A. GRCh37 (hg19) VCF-style: chr17-56772335-T-A.
Other names: c.189T>A, p.Ile63= (NM_002876.4).
Identifiers: ClinVar variation 1119470 (VCV001119470.12), dbSNP rs730881923, ClinGen allele CA501074504.